The following is an entry in ClinVar:

NM_000163.5(GHR):c.1111G>C (p.Glu371Gln)

Gene: GHR (growth hormone receptor; plus strand). Cytogenetic location: 5p12.
Variant type: single nucleotide variant.
Coding change: c.1111G>C on transcript NM_000163.5 (MANE Select); coding-DNA position 1111, G replaced by C.
Protein change: p.Glu371Gln; replaces glutamic acid 371 with glutamine.
Molecular consequence: missense variant. On other transcripts: 3 prime UTR variant (1).
Genome position (GRCh38, 1-based): chr5:42,718,618, G>C. VCF-style: chr5-42718618-G-C. GRCh37 (hg19) VCF-style: chr5-42718720-G-C.
Other names: c.1111G>C, p.Glu371Gln (NM_001242405.2, NM_001242406.2, NM_001242400.2 and 4 more transcripts); c.1045G>C, p.Glu349Gln (NM_001242460.2); c.*153G>C (NM_001242462.1); c.1132G>C, p.Glu378Gln (NM_001242399.2); short protein forms E371Q, E378Q, E349Q.
Identifiers: ClinVar variation 2756286 (VCV002756286.3), dbSNP rs2530777897, ClinGen allele CA359629036.
Genomic context (GRCh38, chr5:42,718,618, plus strand): 5'-GATGAGCCAGATGAAAAGACTGAGGAATCAGACACAGACAGACTTCTAAGCAGTGACCAT[G>C]AGAAATCACATAGTAACCTAGGGGTGAAGGATGGCGACTCTGGACGTACCAGCTGTTGTG-3'
Protein context (NP_000154.1, residues 361-381): DTDRLLSSDH[Glu371Gln]KSHSNLGVKD

ClinVar aggregate classification (germline): Uncertain significance (1 of 4 stars; one submission).

Submission:

Labcorp Genetics (formerly Invitae), Labcorp
Classification: Uncertain significance. Last evaluated: 2023-08-29. Review status: criteria provided, single submitter. Criteria: Invitae Variant Classification Sherloc (09022015). Collection method: clinical testing. Allele origin: germline.
Comment: This sequence change replaces glutamic acid, which is acidic and polar, with glutamine, which is neutral and polar, at codon 371 of the GHR protein (p.Glu371Gln). This variant is not present in population databases (gnomAD no frequency). This variant has not been reported in the literature in individuals affected with GHR-related conditions. Advanced modeling of protein sequence and biophysical properties (such as structural, functional, and spatial information, amino acid conservation, physicochemical variation, residue mobility, and thermodynamic stability) performed at Invitae indicates that this missense variant is not expected to disrupt GHR protein function. In summary, the available evidence is currently insufficient to determine the role of this variant in disease. Therefore, it has been classified as a Variant of Uncertain Significance.